The following is an entry in ClinVar:

ClinVar aggregate classification (germline): Uncertain significance (1 of 4 stars; one submission).

Conditions:
Hereditary cancer-predisposing syndrome. Also called: Tumor predisposition; Neoplastic Syndromes, Hereditary; Hereditary Cancer Syndrome; Hereditary neoplastic syndrome. Identifiers: Orphanet 140162, MedGen C0027672, MeSH D009386, MONDO:0015356.

Submission:

Ambry Genetics
Classification: Uncertain significance for Hereditary cancer-predisposing syndrome. Last evaluated: 2024-07-13. Review status: criteria provided, single submitter. Criteria: Ambry Variant Classification Scheme 2023. Collection method: clinical testing. Allele origin: germline.
Comment: The p.Y340H variant (also known as c.1018T>C), located in coding exon 10 of the FANCC gene, results from a T to C substitution at nucleotide position 1018. The tyrosine at codon 340 is replaced by histidine, an amino acid with similar properties. This amino acid position is conserved. In addition, the in silico prediction for this alteration is inconclusive. Based on the available evidence, the clinical significance of this variant remains unclear.

NM_000136.3(FANCC):c.1018T>C (p.Tyr340His)

Genes: AOPEP (aminopeptidase O (putative); plus strand), FANCC (FA complementation group C; minus strand). Cytogenetic location: 9q22.32.
Variant type: single nucleotide variant.
Coding change: c.1018T>C on transcript NM_000136.3 (MANE Select); coding-DNA position 1018, T replaced by C.
Protein change: p.Tyr340His; replaces tyrosine 340 with histidine.
Molecular consequence: missense variant.
Genome position (GRCh38, 1-based): chr9:95,117,369, A>G on the plus strand (T>C on the coding strand, the complement: FANCC is on the minus strand). VCF-style: chr9-95117369-A-G. GRCh37 (hg19) VCF-style: chr9-97879651-A-G.
Other names: c.1018T>C, p.Tyr340His (NM_001243743.2, NM_001243744.2); short protein forms Y340H.
Identifiers: ClinVar variation 3512758 (VCV003512758.1).